The following is an entry in ClinVar:

ClinVar aggregate classification (germline): Uncertain significance (1 of 4 stars; one submission).

Conditions:
Fanconi anemia, complementation group S (FANCS). Identifiers: MedGen C4554406, MONDO:0054748, OMIM 617883.

Submissions (2):

Department of Pathology and Laboratory Medicine, Sinai Health System
Classification: Uncertain significance for Fanconi anemia, complementation group S. Last evaluated: 2021-12-24. Review status: criteria provided, single submitter. Criteria: ACMG Guidelines, 2015. Collection method: clinical testing. Allele origin: germline.

Brotman Baty Institute, University of Washington
No classification provided (evidence only). Condition: Breast-ovarian cancer, familial 1. Review status: no classification provided. Collection method: in vitro. Allele origin: not applicable. Functional consequence: functionally_normal. Not counted in ClinVar's aggregate classification.
ClinVar note: "not provided" was previously submitted as the classification for the variant. However, the classification appeared to be based only on an observation of functional data so it was converted to no classification on 2025-07-30.

Literature cited by the submitters: PubMed 30209399 (cited by Department of Pathology and Laboratory Medicine, Sinai Health System).

NM_007294.4(BRCA1):c.4919C>T (p.Thr1640Ile)

Gene: BRCA1 (BRCA1 DNA repair associated; minus strand). Cytogenetic location: 17q21.31.
Variant type: single nucleotide variant.
Coding change: c.4919C>T on transcript NM_007294.4 (MANE Select); coding-DNA position 4919, C replaced by T.
Protein change: p.Thr1640Ile; replaces threonine 1640 with isoleucine.
Molecular consequence: missense variant. On other transcripts: non-coding transcript variant (1).
Genome position (GRCh38, 1-based): chr17:43,070,995, G>A on the plus strand (C>T on the coding strand, the complement: BRCA1 is on the minus strand). VCF-style: chr17-43070995-G-A. GRCh37 (hg19) VCF-style: chr17-41223012-G-A.
Other names: c.4706C>T, p.Thr1569Ile (NM_001407571.1, NM_001407895.1, NM_001407896.1 and 12 more transcripts); c.4985C>T, p.Thr1662Ile (NM_001407581.1, NM_001407582.1); c.4982C>T, p.Thr1661Ile (NM_001407583.1, NM_001407585.1, NM_001407587.1 and 1 more transcripts); c.4979C>T, p.Thr1660Ile (NM_001407590.1, NM_001407591.1); c.4919C>T, p.Thr1640Ile (NM_001407593.1, NM_001407594.1, NM_001407596.1 and 8 more transcripts); c.4916C>T, p.Thr1639Ile (NM_001407610.1, NM_001407611.1, NM_001407612.1 and 17 more transcripts); c.4913C>T, p.Thr1638Ile (NM_001407627.1, NM_001407628.1, NM_001407629.1 and 14 more transcripts); c.4910C>T, p.Thr1637Ile (NM_001407644.1, NM_001407645.1); and 70 more; short protein forms T1661I, T1640I, T536I, T1593I, T1344I, T1511I, T1513I, T1528I.
Identifiers: ClinVar variation 865684 (VCV000865684.4), dbSNP rs1036328075, ClinGen allele CA10591681.